The following is an entry in ClinVar:

ClinVar aggregate classification (germline): Pathogenic (1 of 4 stars; one submission).

Conditions:
Congenital lactic acidosis, Saguenay-Lac-Saint-Jean type (MC4DN5). Also called: CYTOCHROME c OXIDASE DEFICIENCY, FRENCH CANADIAN TYPE; COX DEFICIENCY, FRENCH CANADIAN TYPE; MITOCHONDRIAL COMPLEX IV DEFICIENCY, NUCLEAR TYPE 5. Identifiers: Orphanet 70472, MedGen C1857355, MONDO:0009069, OMIM 220111.

Submission:

Myriad Genetics, Inc.
Classification: Pathogenic for Congenital lactic acidosis, Saguenay-Lac-Saint-Jean type. Last evaluated: 2025-04-13. Review status: criteria provided, single submitter. Criteria: Myriad Autosomal Dominant, Autosomal Recessive and X-Linked Classification Criteria (2023). Collection method: clinical testing. Allele origin: unknown.
Comment: NM_133259.3(LRPPRC):c.539delC(S180Yfs*19) is expected to be pathogenic in the context of Leigh syndrome, French-Canadian type. This variant is predicted to lead to an abnormal or absent protein product due to the creation of a premature termination codon in LRPPRC, a gene where loss-of-function variants are known to be pathogenic. Please note: this variant was assessed in the context of healthy population screening.

NM_133259.4(LRPPRC):c.539del (p.Ser180fs)

Gene: LRPPRC (leucine rich pentatricopeptide repeat containing; minus strand). Cytogenetic location: 2p21.
Variant type: Deletion.
Coding change: c.539del on transcript NM_133259.4 (MANE Select); coding-DNA position 539, one base deleted (C; older notation c.539delC).
Protein change: p.Ser180fs; shifts the reading frame from serine 180.
Molecular consequence: frameshift variant.
Genome position (GRCh38, 1-based): chr2:43,977,207, G deleted on the plus strand (C on the coding strand, the reverse complement: LRPPRC is on the minus strand). VCF-style (leftmost placement, unchanged base first): chr2-43977206-TG-T. GRCh37 (hg19) VCF-style: chr2-44204345-TG-T.
Other names: short protein forms S180fs.
Identifiers: ClinVar variation 5014326 (VCV005014326.1).